The following is an entry in ClinVar:

ClinVar aggregate classification (germline): Benign/Likely benign. Review status: criteria provided, multiple submitters, no conflicts (2 of 4 stars). 2 submissions from 2 submitters: Benign (1); Likely benign (1). Last evaluated 2025-09-02.

Conditions:
SLC38A8-related disorder. Also called: SLC38A8-related condition.

Submissions (2):

Labcorp Genetics (formerly Invitae), Labcorp
Classification: Benign. Last evaluated: 2025-09-02. Review status: criteria provided, single submitter. Criteria: Invitae Variant Classification Sherloc (09022015). Collection method: clinical testing. Allele origin: germline.

PreventionGenetics, part of Exact Sciences
Classification: Likely benign for SLC38A8-related condition. Last evaluated: 2025-03-10. Review status: criteria provided, single submitter. Criteria: ACMG Guidelines, 2015. Collection method: clinical testing. Allele origin: germline.
Comment: This variant is classified as likely benign based on ACMG/AMP sequence variant interpretation guidelines (Richards et al. 2015 PMID: 25741868, with internal and published modifications).

NM_001080442.3(SLC38A8):c.1290G>T (p.Ala430=)

Gene: SLC38A8 (solute carrier family 38 member 8; minus strand). Cytogenetic location: 16q23.3.
Variant type: single nucleotide variant.
Coding change: c.1290G>T on transcript NM_001080442.3 (MANE Select); coding-DNA position 1290, G replaced by T.
Protein change: p.Ala430=; no amino-acid change (alanine 430 retained).
Molecular consequence: synonymous variant.
Genome position (GRCh38, 1-based): chr16:84,009,802, C>A on the plus strand (G>T on the coding strand, the complement: SLC38A8 is on the minus strand). VCF-style: chr16-84009802-C-A. GRCh37 (hg19) VCF-style: chr16-84043407-C-A.
Other names: c.1290G>T (NM_001080442.2).
Identifiers: ClinVar variation 2893571 (VCV002893571.4), dbSNP rs372266076, ClinGen allele CA8199614.